The following is an entry in ClinVar:

NC_000005.9:g.(?_1253843)_(1297488_?)del

Gene: TERT (telomerase reverse transcriptase; minus strand). Cytogenetic location: 5p15.33.
Variant type: Deletion.
Identifiers: ClinVar variation 1074267 (VCV001074267.1).

ClinVar aggregate classification (germline): Pathogenic (1 of 4 stars; one submission).

Conditions:
Interstitial lung disease 2 (ILD2). Also called: Familial idiopathic pulmonary fibrosis; FIBROCYSTIC PULMONARY DYSPLASIA; FIBROSING ALVEOLITIS, CRYPTOGENIC. Identifiers: Orphanet 2032, Orphanet 79126, MedGen C5561926, MONDO:0800497, OMIM 178500, MONDO:0800029.
Dyskeratosis congenita, autosomal dominant 2. Identifiers: MedGen C3151443, MONDO:0013521, OMIM 613989.

Submission:

Labcorp Genetics (formerly Invitae), Labcorp
Classification: Pathogenic for Dyskeratosis congenita, autosomal dominant 2; Idiopathic Pulmonary Fibrosis. Last evaluated: 2020-08-25. Review status: criteria provided, single submitter. Criteria: Invitae Variant Classification Sherloc (09022015). Collection method: clinical testing. Allele origin: germline.
Comment: A gross deletion of the genomic region encompassing the full coding sequence of the TERT gene has been identified. The boundaries of this event are unknown as the deletion extends beyond the assayed region for this gene and therefore may encompass additional genes. A similar deletion has been observed in several individuals affected with Cri du Chat syndrome. However, these individuals may have larger chromosomal deletions and other genes in the vicinity of TERT may also be deleted (PMID: 12629597). Loss-of-function variants in TERT are known to be pathogenic (PMID: 16247010, 17460043). For these reasons, this variant has been classified as Pathogenic.

Literature cited by the submitters: PubMed 12629597; PubMed 16247010; PubMed 17460043.